The following is an entry in ClinVar:

ClinVar aggregate classification (germline): Uncertain significance (0 of 4 stars; one submission).

Conditions:
SEMA3G-related disorder. Also called: SEMA3G-related condition.

gnomAD v4.1: 16 of 1,612,056 alleles (0.00099%); highest among the groups gnomAD compares: African/African-American, 0.015%; 1 homozygote.

Submission:

PreventionGenetics, part of Exact Sciences
Classification: Uncertain significance for SEMA3G-related condition. Last evaluated: 2024-03-26. Review status: no assertion criteria provided. Collection method: clinical testing. Allele origin: germline.
Comment: The SEMA3G c.1035C>A variant is predicted to result in the amino acid substitution p.His345Gln. To our knowledge, this variant has not been reported in the literature. This variant is reported in 0.0082% of alleles in individuals of African descent in gnomAD. At this time, the clinical significance of this variant is uncertain due to the absence of conclusive functional and genetic evidence.

NM_020163.3(SEMA3G):c.1035C>A (p.His345Gln)

Gene: SEMA3G (semaphorin 3G; minus strand). Cytogenetic location: 3p21.1.
Variant type: single nucleotide variant.
Coding change: c.1035C>A on transcript NM_020163.3 (MANE Select); coding-DNA position 1035, C replaced by A.
Protein change: p.His345Gln; replaces histidine 345 with glutamine.
Molecular consequence: missense variant.
Genome position (GRCh38, 1-based): chr3:52,440,485, G>T on the plus strand (C>A on the coding strand, the complement: SEMA3G is on the minus strand). VCF-style: chr3-52440485-G-T. GRCh37 (hg19) VCF-style: chr3-52474501-G-T.
Other names: short protein forms H345Q.
Identifiers: ClinVar variation 3353278 (VCV003353278.1).